The following is an entry in ClinVar:

ClinVar aggregate classification (germline): Likely benign (1 of 4 stars; one submission).

Allele frequency attached by ClinVar (database versions not stated): TOPMed below 0.00001; gnomAD 0.00001; gnomAD exomes 0.00003 and 0.00006; ExAC 0.00007.

Submission:

CeGaT Center for Human Genetics Tuebingen
Classification: Likely benign. Last evaluated: 2024-07-01. Review status: criteria provided, single submitter. Criteria: CeGaT Center For Human Genetics Tuebingen Variant Classification Criteria Version 2. Collection method: clinical testing. Allele origin: germline. Affected: yes. Observed: 2 variant alleles.
Comment: ARV1: BP4, BP7

NM_022786.3(ARV1):c.732G>A (p.Leu244=)

Gene: ARV1 (ARV1 fatty acid homeostasis modulator; plus strand). Cytogenetic location: 1q42.2.
Variant type: single nucleotide variant.
Coding change: c.732G>A on transcript NM_022786.3 (MANE Select); coding-DNA position 732, G replaced by A.
Protein change: p.Leu244=; no amino-acid change (leucine 244 retained).
Molecular consequence: synonymous variant. On other transcripts: non-coding transcript variant (1).
Genome position (GRCh38, 1-based): chr1:230,997,179, G>A. VCF-style: chr1-230997179-G-A. GRCh37 (hg19) VCF-style: chr1-231132925-G-A.
Other names: c.831G>A, p.Leu277= (NM_001346992.2).
Identifiers: ClinVar variation 1176857 (VCV001176857.35), dbSNP rs779080654, ClinGen allele CA1450558.
Genomic context (GRCh38, chr1:230,997,179, plus strand): 5'-AGTGACCCTAAACATCAACCGTAAGCTCTCCTTCTTGGCCGTGTTGAGTGGCTTACTGCT[G>A]GAAAGCATCATGGTCTACTTCTTCCAGAGTATGGAATGGGATGTTGGAAGTGATTATGCC-3'
Protein context (NP_073623.1, residues 234-254): SFLAVLSGLL[Leu244=]ESIMVYFFQS